The following is an entry in ClinVar:

NM_001379500.1(COL18A1):c.2644A>G (p.Lys882Glu)

Gene: COL18A1 (collagen type XVIII alpha 1 chain; plus strand). Cytogenetic location: 21q22.3.
Variant type: single nucleotide variant.
Coding change: c.2644A>G on transcript NM_001379500.1 (MANE Select); coding-DNA position 2644, A replaced by G.
Protein change: p.Lys882Glu; replaces lysine 882 with glutamic acid.
Molecular consequence: missense variant.
Genome position (GRCh38, 1-based): chr21:45,497,622, A>G. VCF-style: chr21-45497622-A-G. GRCh37 (hg19) VCF-style: chr21-46917536-A-G.
Other names: c.3184A>G, p.Lys1062Glu (NM_030582.4); c.3889A>G, p.Lys1297Glu (NM_130444.3); c.3184A>G (NM_030582.3); short protein forms K882E, K1297E, K1062E.
Identifiers: ClinVar variation 2077736 (VCV002077736.3), dbSNP rs374976416, ClinGen allele CA10067255.

ClinVar aggregate classification (germline): Uncertain significance. Review status: criteria provided, multiple submitters, no conflicts (2 of 4 stars). 2 submissions from 2 submitters: Uncertain significance (2). Last evaluated 2025-03-31.

Conditions:
COL18A1-related disorder. Also called: COL18A1-related condition; COL18A1-related disorders.

Allele frequency attached by ClinVar (database versions not stated): gnomAD exomes 0.00001; TOPMed 0.00002; gnomAD 0.00003; ExAC 0.00004; ESP Exome Variant Server 0.00008.
gnomAD v4.1: 15 of 1,567,658 alleles (0.00096%); highest among the groups gnomAD compares: Non-Finnish European, 0.0013%; no homozygotes.

Submissions (2):

PreventionGenetics, part of Exact Sciences
Classification: Uncertain significance for COL18A1-related condition. Last evaluated: 2025-03-31. Review status: criteria provided, single submitter. Criteria: ACMG Guidelines, 2015. Collection method: clinical testing. Allele origin: germline.
Comment: The COL18A1 c.3184A>G variant is predicted to result in the amino acid substitution p.Lys1062Glu. To our knowledge, this variant has not been reported in the literature or in a large population database (gnomAD), indicating this variant is rare. At this time, the clinical significance of this variant is uncertain due to the absence of conclusive functional and genetic evidence.

Labcorp Genetics (formerly Invitae), Labcorp
Classification: Uncertain significance. Last evaluated: 2023-08-24. Review status: criteria provided, single submitter. Criteria: Invitae Variant Classification Sherloc (09022015). Collection method: clinical testing. Allele origin: germline.
Comment: This sequence change replaces lysine, which is basic and polar, with glutamic acid, which is acidic and polar, at codon 882 of the COL18A1 protein (p.Lys882Glu). In summary, the available evidence is currently insufficient to determine the role of this variant in disease. Therefore, it has been classified as a Variant of Uncertain Significance. Experimental studies and prediction algorithms are not available or were not evaluated, and the functional significance of this variant is currently unknown. ClinVar contains an entry for this variant (Variation ID: 2077736). This variant has not been reported in the literature in individuals affected with COL18A1-related conditions. The frequency data for this variant in the population databases is considered unreliable, as metrics indicate poor data quality at this position in the gnomAD database.